The following is an entry in ClinVar:

ClinVar aggregate classification (germline): Uncertain significance. Review status: criteria provided, multiple submitters, no conflicts (2 of 4 stars). 4 submissions from 4 submitters: Uncertain significance (4). Last evaluated 2025-10-25.

Conditions:
Inborn genetic diseases. Identifiers: MedGen C0950123, MeSH D030342.
Autosomal dominant limb-girdle muscular dystrophy type 1D (DNAJB6) (LGMDD1). Also called: MUSCULAR DYSTROPHY, LIMB-GIRDLE, TYPE 1D; MUSCULAR DYSTROPHY, AUTOSOMAL DOMINANT, WITH RIMMED VACUOLES; Autosomal dominant limb-girdle muscular dystrophy type 1D; Muscular dystrophy, limb-girdle, autosomal dominant 1. Identifiers: Orphanet 34516, MedGen C4721885, MONDO:0021018, OMIM 603511.

Allele frequency attached by ClinVar (database versions not stated): gnomAD exomes 0.00001; ExAC 0.00008; ESP Exome Variant Server 0.00008; gnomAD 0.00009; TOPMed 0.00009.
gnomAD v4.1: 24 of 1,535,574 alleles (0.0016%); highest among the groups gnomAD compares: African/African-American, 0.018%; no homozygotes.

Submissions (4):

Labcorp Genetics (formerly Invitae), Labcorp
Classification: Uncertain significance for Autosomal dominant limb-girdle muscular dystrophy type 1D (DNAJB6). Last evaluated: 2025-10-25. Review status: criteria provided, single submitter. Criteria: Invitae Variant Classification Sherloc (09022015). Collection method: clinical testing. Allele origin: germline.
Comment: This sequence change replaces alanine, which is neutral and non-polar, with threonine, which is neutral and polar, at codon 288 of the DNAJB6 protein (p.Ala288Thr). This variant is present in population databases (rs371808471, gnomAD 0.03%). This variant has not been reported in the literature in individuals affected with DNAJB6-related conditions. ClinVar contains an entry for this variant (Variation ID: 290169). Invitae Evidence Modeling of protein sequence and biophysical properties (such as structural, functional, and spatial information, amino acid conservation, physicochemical variation, residue mobility, and thermodynamic stability) indicates that this missense variant is not expected to disrupt DNAJB6 protein function with a negative predictive value of 80%. In summary, the available evidence is currently insufficient to determine the role of this variant in disease. Therefore, it has been classified as a Variant of Uncertain Significance.

Ambry Genetics
Classification: Uncertain significance for Inborn genetic diseases. Last evaluated: 2024-09-20. Review status: criteria provided, single submitter. Criteria: Ambry Variant Classification Scheme 2023. Collection method: clinical testing. Allele origin: germline.

Blueprint Genetics
Classification: Uncertain significance. Last evaluated: 2018-01-31. Review status: criteria provided, single submitter. Criteria: ACMG Guidelines, 2015. Collection method: clinical testing. Allele origin: germline.

Eurofins Ntd Llc (ga)
Classification: Uncertain significance. Last evaluated: 2016-08-18. Review status: criteria provided, single submitter. Criteria: EGL Classification Definitions 2015. Collection method: clinical testing. Allele origin: germline. Observed: 1 variant allele, 1 heterozygote.

NM_058246.4(DNAJB6):c.862G>A (p.Ala288Thr)

Gene: DNAJB6 (DnaJ heat shock protein family (Hsp40) member B6; plus strand). Cytogenetic location: 7q36.3.
Variant type: single nucleotide variant.
Coding change: c.862G>A on transcript NM_058246.4 (MANE Select); coding-DNA position 862, G replaced by A.
Protein change: p.Ala288Thr; replaces alanine 288 with threonine.
Molecular consequence: missense variant.
Genome position (GRCh38, 1-based): chr7:157,409,965, G>A. VCF-style: chr7-157409965-G-A. GRCh37 (hg19) VCF-style: chr7-157202659-G-A.
Other names: c.517G>A, p.Ala173Thr (NM_001363676.1); short protein forms A288T, A173T.
Identifiers: ClinVar variation 290169 (VCV000290169.16), dbSNP rs371808471, ClinGen allele CA4590655.